The following is an entry in ClinVar:

ClinVar aggregate classification (germline): Pathogenic/Likely pathogenic. Review status: criteria provided, multiple submitters, no conflicts (2 of 4 stars). 11 submissions from 11 submitters: Pathogenic (6); Likely pathogenic (1). 4 of the submissions do not count toward it. Last evaluated 2024-04-23.

Conditions:
Spastic paraplegia. Identifiers: MedGen C0037772, HP:0001258.
AP4M1-related disorder. Also called: AP4M1-related condition.
Hereditary spastic paraplegia 50 (SPG50). Also called: Spastic paraplegia 50, autosomal recessive. Identifiers: Orphanet 280763, MedGen C2752008, MONDO:0013048, OMIM 612936.

Allele frequency attached by ClinVar (database versions not stated): ExAC 0.00001; gnomAD 0.00001; gnomAD exomes 0.00001; TOPMed 0.00002.
gnomAD v4.1: 16 of 1,612,556 alleles (0.00099%); highest among the groups gnomAD compares: Admixed American, 0.0033%; no homozygotes.

Submissions (11):

University of Science and Technology Houari Boumediene, Laboratory of Molecular and Cellular Biology (LBCM)
Classification: Pathogenic for Hereditary spastic paraplegia 50. Last evaluated: 2024-04-23. Review status: criteria provided, single submitter. Criteria: ACMG Guidelines, 2015. Collection method: research. Allele origin: biparental. Inheritance: Autosomal recessive inheritance. Affected: yes. Observed: 3 variant alleles, 3 homozygotes. Clinical features observed: Spastic tetraparesis (HP:0001285), Intellectual disability (HP:0001249), Cataract (HP:0000518), Strabismus (HP:0000486), Sensorimotor neuropathy (HP:0007141), Corpus callosum, agenesis of (HP:0001274), Abnormal facial shape (HP:0001999), Microcephaly (HP:0000252).
Comment: The AP4M1 c.1137+1G>T variant is predicted to disrupt the donor site and interfere with normal splicing. In silico prediction tools, including CADD and MutationTaster, predict this variant to be disease-causing. ClinVar contains an entry for this variant (Variation ID: 1174617), it’s classified as pathogenic/Likely Pathogenic. This variant is not reported in the 1000 Genomes Project but is present at a low frequency in the gnomAD database [AF = 1.64e-5]. It is associated with the following publication (PMID: 19559397, 26029708, 29997391).

Blueprint Genetics
Classification: Pathogenic for AP4M1-related disorders. Last evaluated: 2023-10-13. Review status: criteria provided, single submitter. Criteria: ACMG Guidelines, 2015. Collection method: clinical testing. Allele origin: germline. Affected: yes. Observed: 3 variant alleles.

PreventionGenetics, part of Exact Sciences
Classification: Pathogenic for AP4M1-related condition. Last evaluated: 2022-10-18. Review status: criteria provided, single submitter. Criteria: ACMG Guidelines, 2015. Collection method: clinical testing. Allele origin: germline.
Comment: The AP4M1 c.1137+1G>T variant is predicted to disrupt the GT donor site and interfere with normal splicing. This variant was reported in multiple individuals with cerebral palsy (Verkerk et al 2009. PubMed ID: 19559397; Table 1, Valence et al. 2019. PubMed ID: 29997391; Figure S1, Ebrahimi-Fakhari et al 2020. PubMed ID: 32979048). This variant is reported in 0.0029% of alleles in individuals of Latino descent in gnomAD. Variants that disrupt the consensus splice donor site in AP4M1 are expected to be pathogenic. This variant is interpreted as pathogenic.

3billion
Classification: Likely pathogenic for Hereditary spastic paraplegia 50. Last evaluated: 2022-01-03. Review status: criteria provided, single submitter. Criteria: ACMG Guidelines, 2015. Collection method: clinical testing. Allele origin: germline. Affected: yes. Observed: 1 heterozygote.
Comment: The variant has been reported to be associated with AP4M1 related disorder (ClinVar ID: VCV001174617, 3billion dataset). It is observed at an extremely low frequency in the gnomAD v2.1.1 dataset (total allele frequency: 0.000012, PM2_M). Canonical splice site: predicted to alter splicing and result in a loss or disruption of normal protein function through protein truncation. The predicted truncated protein may be shortened by more than 10% (PVS1_S). Therefore, this variant is classified as likely pathogenic according to the recommendation of ACMG/AMP guideline.

Department of Genetics, Rouen University Hospital, Normandy Center for Genomic and Personalized Medicine
Classification: Pathogenic for Hereditary spastic paraplegia 50. Last evaluated: 2021-04-01. Review status: criteria provided, single submitter. Criteria: ACMG Guidelines, 2015. Collection method: clinical testing. Allele origin: inherited. Affected: yes.

Dr. med. U. Finckh, Human Genetics, Eurofins MVZ
Classification: Pathogenic for Hereditary spastic paraplegia 50. Last evaluated: 2020-04-06. Review status: criteria provided, single submitter. Criteria: ACMG Guidelines, 2015. Collection method: clinical testing. Allele origin: germline. Affected: yes.
Comment: Homozygous in two siblings with spastic paraplegia. The unaffected parents were both heterozygous carriers.

GeneDx
Classification: Pathogenic. Last evaluated: 2020-03-20. Review status: criteria provided, single submitter. Criteria: GeneDx Variant Classification Process June 2021. Collection method: clinical testing. Allele origin: germline. Affected: yes.
Comment: Published functional studies demonstrate that expression is reduced in heterozygotes and abolished in homozygotes (Verkerk et al., 2009); Canonical splice site variant in a gene for which loss-of-function is a known mechanism of disease; Not observed at a significant frequency in large population cohorts (Lek et al., 2016); This variant is associated with the following publications: (PMID: 19559397, 25525159, 29997391, 28492530, 26029708, 32979048, 29096665)

Yale Center for Mendelian Genomics, Yale University
Classification: Likely pathogenic for Spastic paraplegia. Last evaluated: 2020-10-01. Review status: no assertion criteria provided. Collection method: literature only. Allele origin: germline. Affected: yes. Observed: 4 homozygotes. Study: Yale Center for Mendelian Genomics. Not counted in ClinVar's aggregate classification.

Clinical Genetics DNA and cytogenetics Diagnostics Lab, Erasmus MC, Erasmus Medical Center
Classification: Pathogenic. Review status: no assertion criteria provided. Collection method: clinical testing. Allele origin: germline. Affected: yes. Study: VKGL Data-share Consensus. Not counted in ClinVar's aggregate classification.

Diagnostic Laboratory, Department of Genetics, University Medical Center Groningen
Classification: Pathogenic. Review status: no assertion criteria provided. Collection method: clinical testing. Allele origin: germline. Affected: yes. Study: VKGL Data-share Consensus. Not counted in ClinVar's aggregate classification.

Genome Diagnostics Laboratory, Amsterdam University Medical Center
Classification: Pathogenic. Review status: no assertion criteria provided. Collection method: clinical testing. Allele origin: germline. Affected: yes. Study: VKGL Data-share Consensus. Not counted in ClinVar's aggregate classification.

Literature cited by the submitters: PubMed 32979048 (cited by Yale Center for Mendelian Genomics, Yale University).

NM_004722.4(AP4M1):c.1137+1G>T

Gene: AP4M1 (adaptor related protein complex 4 subunit mu 1; plus strand). Cytogenetic location: 7q22.1.
Variant type: single nucleotide variant.
Coding change: c.1137+1G>T on transcript NM_004722.4 (MANE Select); the canonical splice donor site of the intron after coding-DNA position 1137, G replaced by T.
Molecular consequence: splice donor variant.
Genome position (GRCh38, 1-based): chr7:100,106,515, G>T. VCF-style: chr7-100106515-G-T. GRCh37 (hg19) VCF-style: chr7-99704138-G-T.
Other names: p.Ser342ArgfsTer65; c.1158+1G>T (NM_001363671.2).
Identifiers: ClinVar variation 1174617 (VCV001174617.16), dbSNP rs770705832, ClinGen allele CA4374980.